The following is an entry in ClinVar:

NM_001854.4(COL11A1):c.539T>C (p.Val180Ala)

Gene: COL11A1 (collagen type XI alpha 1 chain; minus strand). Cytogenetic location: 1p21.1.
Variant type: single nucleotide variant.
Coding change: c.539T>C on transcript NM_001854.4 (MANE Select); coding-DNA position 539, T replaced by C.
Protein change: p.Val180Ala; replaces valine 180 with alanine.
Molecular consequence: missense variant. On other transcripts: non-coding transcript variant (1).
Genome position (GRCh38, 1-based): chr1:103,074,730, A>G on the plus strand (T>C on the coding strand, the complement: COL11A1 is on the minus strand). VCF-style: chr1-103074730-A-G. GRCh37 (hg19) VCF-style: chr1-103540286-A-G.
Other names: c.539T>C, p.Val180Ala (NM_001168249.1, NM_001190709.2, NM_080629.3 and 1 more transcripts); short protein forms V180A.
Identifiers: ClinVar variation 1714649 (VCV001714649.5), dbSNP rs2526146080, ClinGen allele CA341166463.

ClinVar aggregate classification (germline): Uncertain significance (1 of 4 stars; one submission).

Submission:

Labcorp Genetics (formerly Invitae), Labcorp
Classification: Uncertain significance. Last evaluated: 2022-09-06. Review status: criteria provided, single submitter. Criteria: Invitae Variant Classification Sherloc (09022015). Collection method: clinical testing. Allele origin: germline.
Comment: In summary, the available evidence is currently insufficient to determine the role of this variant in disease. Therefore, it has been classified as a Variant of Uncertain Significance. This sequence change replaces valine, which is neutral and non-polar, with alanine, which is neutral and non-polar, at codon 180 of the COL11A1 protein (p.Val180Ala). This variant is not present in population databases (gnomAD no frequency). Advanced modeling of protein sequence and biophysical properties (such as structural, functional, and spatial information, amino acid conservation, physicochemical variation, residue mobility, and thermodynamic stability) performed at Invitae indicates that this missense variant is not expected to disrupt COL11A1 protein function. This variant has not been reported in the literature in individuals affected with COL11A1-related conditions.